The following is an entry in ClinVar:

NM_182961.4(SYNE1):c.21639G>A (p.Leu7213=)

Genes: SYNE1 (spectrin repeat containing nuclear envelope protein 1; minus strand), LOC126859836 (MED14-independent group 3 enhancer GRCh37_chr6:152542272-152543471; plus strand). Cytogenetic location: 6q25.2.
Variant type: single nucleotide variant.
Coding change: c.21639G>A on transcript NM_182961.4 (MANE Select); coding-DNA position 21639, G replaced by A.
Protein change: p.Leu7213=; no amino-acid change (leucine 7213 retained).
Molecular consequence: synonymous variant.
Genome position (GRCh38, 1-based): chr6:152,221,443, C>T on the plus strand (G>A on the coding strand, the complement: SYNE1 is on the minus strand). VCF-style: chr6-152221443-C-T. GRCh37 (hg19) VCF-style: chr6-152542578-C-T.
Other names: c.21426G>A, p.Leu7142= (NM_033071.5).
Identifiers: ClinVar variation 287660 (VCV000287660.5), dbSNP rs886043685, ClinGen allele CA10605824.

ClinVar aggregate classification (germline): Conflicting classifications of pathogenicity. Review status: criteria provided, conflicting classifications (1 of 4 stars). 2 submissions from 2 submitters: Uncertain significance (1); Likely benign (1). Last evaluated 2016-07-22.

gnomAD v4.1: 2 of 1,613,856 alleles (0.00012%); highest among the groups gnomAD compares: Non-Finnish European, 0.00017%; no homozygotes.

Submissions (2):

GeneDx
Classification: Likely benign. Last evaluated: 2016-07-22. Review status: criteria provided, single submitter. Criteria: GeneDx Variant Classification (06012015). Collection method: clinical testing. Allele origin: germline. Affected: yes.
Comment: This variant is considered likely benign or benign based on one or more of the following criteria: it is a conservative change, it occurs at a poorly conserved position in the protein, it is predicted to be benign by multiple in silico algorithms, and/or has population frequency not consistent with disease.

Eurofins Ntd Llc (ga)
Classification: Uncertain significance. Last evaluated: 2016-04-18. Review status: criteria provided, single submitter. Criteria: EGL Classification Definitions 2015. Collection method: clinical testing. Allele origin: germline. Observed: 1 variant allele, 1 heterozygote.